The following is an entry in ClinVar:

ClinVar aggregate classification (germline): Uncertain significance (1 of 4 stars; one submission).

Conditions:
Nemaline myopathy 8 (NEM8). Also called: Nemaline myopathy 8, autosomal recessive. Identifiers: Orphanet 171430, MedGen C3809209, MONDO:0014138, OMIM 615348.

Allele frequency attached by ClinVar (database versions not stated): TOPMed 0.00002.
gnomAD v4.1: 3 of 1,613,878 alleles (0.00019%); highest among the groups gnomAD compares: African/African-American, 0.004%; no homozygotes.

Submission:

Labcorp Genetics (formerly Invitae), Labcorp
Classification: Uncertain significance for Nemaline myopathy 8. Last evaluated: 2018-05-04. Review status: criteria provided, single submitter. Criteria: Invitae Variant Classification Sherloc (09022015). Collection method: clinical testing. Allele origin: germline.
Comment: This sequence change replaces histidine with glutamine at codon 351 of the KLHL40 protein (p.His351Gln). The histidine residue is highly conserved and there is a small physicochemical difference between histidine and glutamine. In summary, the available evidence is currently insufficient to determine the role of this variant in disease. Therefore, it has been classified as a Variant of Uncertain Significance. Algorithms developed to predict the effect of missense changes on protein structure and function do not agree on the potential impact of this missense change (SIFT: "Deleterious"; PolyPhen-2: "Probably Damaging"; Align-GVGD: "Class C15"). This variant has not been reported in the literature in individuals with KLHL40-related disease. This variant is not present in population databases (ExAC no frequency).

NM_152393.4(KLHL40):c.1053C>A (p.His351Gln)

Gene: KLHL40 (kelch like family member 40; plus strand). Cytogenetic location: 3p22.1.
Variant type: single nucleotide variant.
Coding change: c.1053C>A on transcript NM_152393.4 (MANE Select); coding-DNA position 1053, C replaced by A.
Protein change: p.His351Gln; replaces histidine 351 with glutamine.
Molecular consequence: missense variant.
Genome position (GRCh38, 1-based): chr3:42,686,671, C>A. VCF-style: chr3-42686671-C-A. GRCh37 (hg19) VCF-style: chr3-42728163-C-A.
Other names: short protein forms H351Q.
Identifiers: ClinVar variation 574271 (VCV000574271.5), dbSNP rs61736693, ClinGen allele CA352292368.